The following is an entry in ClinVar:

NM_022132.5(MCCC2):c.281+1del

Gene: MCCC2 (methylcrotonyl-CoA carboxylase subunit 2; plus strand). Cytogenetic location: 5q13.2.
Variant type: Deletion.
Coding change: c.281+1del on transcript NM_022132.5 (MANE Select); the canonical splice donor site of the intron after coding-DNA position 281, one base deleted (G; older notation c.281+1delG).
Molecular consequence: splice donor variant.
Genome position (GRCh38, 1-based): chr5:71,596,365, G deleted; the last of 3 consecutive G bases (chr5:71,596,363-71,596,365); deleting any one gives the same sequence. VCF-style (leftmost placement, unchanged base first): chr5-71596362-AG-A. GRCh37 (hg19) VCF-style: chr5-70892189-AG-A.
Other names: c.281+1delG (NM_022132.4); c.281+1del (NM_001363147.1).
Identifiers: ClinVar variation 2676486 (VCV002676486.3), dbSNP rs2530712355, ClinGen allele CA2695198612.
Genomic context (GRCh38, chr5:71,596,362, plus strand): 5'-ACTTCACATATCAAGAGGAAAACTATTGCCCAGAGAAAGAATTGACAATCTCATAGACCC[AG>A]GGTGCGTACATAGCCAAGTACTGACTCAGAGTGTTCTCTGTTCCATAGTACTTTATTAGA-3'

ClinVar aggregate classification (germline): Likely pathogenic. Review status: criteria provided, multiple submitters, no conflicts (2 of 4 stars). 3 submissions from 3 submitters: Likely pathogenic (3). Last evaluated 2025-04-02.

Conditions:
3-methylcrotonyl-CoA carboxylase 2 deficiency. Also called: METHYLCROTONYLGLYCINURIA, TYPE II; 3 alpha methylcrotonyl-CoA carboxylase 2 deficiency; 3 alpha methylcrotonylglycinuria 2; MCC 2 deficiency; Methylcrotonylglycinuria type 2. Identifiers: Orphanet 6, MedGen C1859499, MONDO:0008862, OMIM 210210.

Submissions (3):

Natera, Inc.
Classification: Likely pathogenic for 3-methylcrotonyl-CoA carboxylase 2 deficiency. Last evaluated: 2025-04-02. Review status: criteria provided, single submitter. Criteria: Natera Variant Classification Schema (03/2026). Collection method: clinical testing. Allele origin: germline.
Comment: The c.281+1delG variant in MCCC2 is a canonical splice donor site variant predicted to affect pre-mRNA splicing, which may result in an abnormal transcript and altered protein product. This variant is expected to result in nonsense mediated decay, truncation, or a dysfunctional protein product. This variant is rare in the general population with a frequency below the threshold expected for the associated phenotype(s). Given the available evidence, this variant is classified as Likely Pathogenic.

Baylor Genetics
Classification: Likely pathogenic for 3-methylcrotonyl-CoA carboxylase 2 deficiency. Last evaluated: 2023-05-29. Review status: criteria provided, single submitter. Criteria: ACMG Guidelines, 2015. Collection method: clinical testing. Allele origin: unknown.

Neuberg Centre For Genomic Medicine, NCGM
Classification: Likely pathogenic for 3-methylcrotonyl-CoA carboxylase 2 deficiency. Last evaluated: 2023-05-20. Review status: criteria provided, single submitter. Criteria: ACMG Guidelines, 2015. Collection method: clinical testing. Allele origin: germline. Inheritance: Autosomal recessive inheritance. Affected: yes.
Comment: The observed frameshift, splice region variant c.281+1del in MCCC2 gene has not been reported previously as a pathogenic variant nor as a benign variant, to our knowledge. The c.281+1del variant is absent in gnomAD Exomes. The variant is predicted to be damaging by SpliceAI Prediction. This variant is predicted to cause loss of normal protein function through protein truncation. Loss of function variants have been previously reported to be disease causing (Grünert SC, et al., 2012). For these reasons, this variant has been classified as Likely Pathogenic.